The following is an entry in ClinVar:

ClinVar aggregate classification (germline): Uncertain significance (0 of 4 stars; one submission).

Conditions:
CHEK1-related disorder. Also called: CHEK1-related condition.

Allele frequency attached by ClinVar (database versions not stated): gnomAD 0.00011; TOPMed 0.00011; gnomAD exomes 0.00012; 1000 Genomes Project 30x 0.00031.
gnomAD v4.1: 87 of 702,596 alleles (0.012%); highest among the groups gnomAD compares: Non-Finnish European, 0.019%; no homozygotes.

Submission:

PreventionGenetics, part of Exact Sciences
Classification: Uncertain significance for CHEK1-related condition. Last evaluated: 2023-12-08. Review status: no assertion criteria provided. Collection method: clinical testing. Allele origin: germline.
Comment: The CHEK1 c.184A>T variant is predicted to result in the amino acid substitution p.Thr62Ser. To our knowledge, this variant has not been reported in the literature. This variant is reported in 0.016% of alleles in individuals of European (Non-Finnish) descent in gnomAD. At this time, the clinical significance of this variant is uncertain due to the absence of conclusive functional and genetic evidence.

NM_001114122.3(CHEK1):c.-89A>T

Gene: CHEK1 (checkpoint kinase 1; plus strand). Cytogenetic location: 11q24.2.
Variant type: single nucleotide variant.
Coding change: c.-89A>T on transcript NM_001114122.3 (MANE Select); 89 bases upstream of the start codon, A replaced by T.
Molecular consequence: 5 prime UTR variant. On other transcripts: non-coding transcript variant (1).
Genome position (GRCh38, 1-based): chr11:125,625,944, A>T. VCF-style: chr11-125625944-A-T. GRCh37 (hg19) VCF-style: chr11-125495839-A-T.
Other names: c.-89A>T (NM_001114121.2, NM_001244846.1); c.-168A>T (NM_001330427.2).
Identifiers: ClinVar variation 3054794 (VCV003054794.2), dbSNP rs969138439, ClinGen allele CA230483656.